The following is an entry in ClinVar:

NM_014956.5(CEP164):c.1706C>T (p.Pro569Leu)

Gene: CEP164 (centrosomal protein 164; plus strand). Cytogenetic location: 11q23.3.
Variant type: single nucleotide variant.
Coding change: c.1706C>T on transcript NM_014956.5 (MANE Select); coding-DNA position 1706, C replaced by T.
Protein change: p.Pro569Leu; replaces proline 569 with leucine.
Molecular consequence: missense variant. On other transcripts: intron variant (27).
Genome position (GRCh38, 1-based): chr11:117,382,924, C>T. VCF-style: chr11-117382924-C-T. GRCh37 (hg19) VCF-style: chr11-117253640-C-T.
Other names: c.1499+1056C>T (NM_001440973.1, NM_001440976.1, NM_001440982.1 and 7 more transcripts); c.1637+1056C>T (NM_001440957.1, NM_001440956.1); c.1577+1056C>T (NM_001440963.1, NM_001440965.1, NM_001440971.1 and 6 more transcripts); c.1559+1056C>T (NM_001440968.1, NM_001440969.1, NM_001440952.1 and 1 more transcripts); c.1586+1056C>T (NM_001440961.1, NM_001440967.1); c.1715C>T, p.Pro572Leu (NM_001271933.2, NM_001440949.1); c.1706C>T, p.Pro569Leu (NM_001440950.1, NM_001440951.1, NM_001440953.1 and 1 more transcripts); c.1628C>T, p.Pro543Leu (NM_001440954.1, NM_001440955.1, NM_001440958.1 and 2 more transcripts); and 2 more; short protein forms P543L, P569L, P526L, P516L, P572L.
Identifiers: ClinVar variation 4977422 (VCV004977422.1).
Genomic context (GRCh38, chr11:117,382,924, plus strand): 5'-TGGGCCCTGGGCAGGAAGAGGCAGAGGATCCTGAGGAGAAGGTGGCGGTCAGCCCCACCC[C>T]GCCAGTCTCTCCAGAGGTGTAAGGGCCAGTTTTGTGTGTCTGTCCCTGACCTCCACTGCG-3'
Protein context (NP_055771.4, residues 559-579): PEEKVAVSPT[Pro569Leu]PVSPEVRSTE

ClinVar aggregate classification (germline): Uncertain significance (1 of 4 stars; one submission).

Conditions:
CEP164-related disorder. Also called: CEP164-related condition.

Submission:

PreventionGenetics, part of Exact Sciences
Classification: Uncertain significance for CEP164-related condition. Last evaluated: 2026-02-16. Review status: criteria provided, single submitter. Criteria: ACMG Guidelines, 2015. Collection method: clinical testing. Allele origin: germline.
Comment: The CEP164 c.1706C>T variant is predicted to result in the amino acid substitution p.Pro569Leu. To our knowledge, this variant has not been reported in the literature. This variant is reported in 0.015% of alleles in individuals of East Asian descent in gnomAD. At this time, the clinical significance of this variant is uncertain due to the absence of conclusive functional and genetic evidence.